The following is an entry in ClinVar:

NM_000836.4(GRIN2D):c.1751C>T (p.Ala584Val)

Gene: GRIN2D (glutamate ionotropic receptor NMDA type subunit 2D; plus strand). Cytogenetic location: 19q13.33.
Variant type: single nucleotide variant.
Coding change: c.1751C>T on transcript NM_000836.4 (MANE Select); coding-DNA position 1751, C replaced by T.
Protein change: p.Ala584Val; replaces alanine 584 with valine.
Molecular consequence: missense variant.
Genome position (GRCh38, 1-based): chr19:48,419,249, C>T. VCF-style: chr19-48419249-C-T. GRCh37 (hg19) VCF-style: chr19-48922506-C-T.
Other names: short protein forms A584V.
Identifiers: ClinVar variation 1708083 (VCV001708083.1), dbSNP rs748508156, ClinGen allele CA9550588.

ClinVar aggregate classification (germline): Likely benign (1 of 4 stars; one submission).

Conditions:
Developmental and epileptic encephalopathy, 46 (DEE46). Also called: GRIN2D-Related Developmental and Epileptic Encephalopathy; Epileptic encephalopathy, early infantile, 46. Identifiers: MedGen C4310687, MONDO:0014947, OMIM 617162.

Allele frequency attached by ClinVar (database versions not stated): gnomAD exomes below 0.00001; ExAC 0.00001.
gnomAD v4.1: 3 of 1,609,650 alleles (0.00019%); highest among the groups gnomAD compares: Non-Finnish European, 0.000085%; no homozygotes.

Submission:

Laboratory of Medical Genetics, National & Kapodistrian University of Athens
Classification: Likely benign for Developmental and epileptic encephalopathy, 46. Last evaluated: 2022-06-27. Review status: criteria provided, single submitter. Criteria: ACMG Guidelines, 2015. Collection method: clinical testing. Allele origin: maternal. Affected: yes.
Comment: PM2, PP3, BS2